The following is an entry in ClinVar:

ClinVar aggregate classification (germline): Uncertain significance. Review status: criteria provided, multiple submitters, no conflicts (2 of 4 stars). 2 submissions from 2 submitters: Uncertain significance (2). Last evaluated 2025-10-25.

Conditions:
Myofibrillar myopathy 5. Also called: Filaminopathy (type); FILAMINOPATHY, AUTOSOMAL DOMINANT. Identifiers: Orphanet 171445, MedGen C1836050, MONDO:0012289, OMIM 609524.
Hypertrophic cardiomyopathy 26. Also called: Cardiomyopathy, familial hypertrophic, 26. Identifiers: Orphanet 75249, MedGen C4310749, MONDO:0014883, OMIM 617047.
Distal myopathy with posterior leg and anterior hand involvement. Also called: WILLIAMS DISTAL MYOPATHY. Identifiers: Orphanet 63273, MedGen C3279722, MONDO:0013550, OMIM 614065.
Cardiovascular phenotype. Identifiers: MedGen CN230736.

gnomAD v4.1: 4 of 1,614,008 alleles (0.00025%); highest among the groups gnomAD compares: Non-Finnish European, 0.00034%; no homozygotes.

Submissions (2):

Labcorp Genetics (formerly Invitae), Labcorp
Classification: Uncertain significance for Distal myopathy with posterior leg and anterior hand involvement; Myofibrillar myopathy 5; Hypertrophic cardiomyopathy 26. Last evaluated: 2025-10-25. Review status: criteria provided, single submitter. Criteria: Invitae Variant Classification Sherloc (09022015). Collection method: clinical testing. Allele origin: germline.
Comment: This sequence change replaces alanine, which is neutral and non-polar, with valine, which is neutral and non-polar, at codon 1536 of the FLNC protein (p.Ala1536Val). This variant is not present in population databases (gnomAD no frequency). This variant has not been reported in the literature in individuals affected with FLNC-related conditions. ClinVar contains an entry for this variant (Variation ID: 935711). Invitae Evidence Modeling of protein sequence and biophysical properties (such as structural, functional, and spatial information, amino acid conservation, physicochemical variation, residue mobility, and thermodynamic stability) has been performed for this missense variant. However, the output from this modeling did not meet the statistical confidence thresholds required to predict the impact of this variant on FLNC protein function. In summary, the available evidence is currently insufficient to determine the role of this variant in disease. Therefore, it has been classified as a Variant of Uncertain Significance.

Ambry Genetics
Classification: Uncertain significance for Cardiovascular phenotype. Last evaluated: 2025-02-25. Review status: criteria provided, single submitter. Criteria: Ambry Variant Classification Scheme 2023. Collection method: clinical testing. Allele origin: germline.

NM_001458.5(FLNC):c.4607C>T (p.Ala1536Val)

Gene: FLNC (filamin C; plus strand). Cytogenetic location: 7q32.1.
Variant type: single nucleotide variant.
Coding change: c.4607C>T on transcript NM_001458.5 (MANE Select); coding-DNA position 4607, C replaced by T.
Protein change: p.Ala1536Val; replaces alanine 1536 with valine.
Molecular consequence: missense variant.
Genome position (GRCh38, 1-based): chr7:128,848,587, C>T. VCF-style: chr7-128848587-C-T. GRCh37 (hg19) VCF-style: chr7-128488641-C-T.
Other names: c.4607C>T, p.Ala1536Val (NM_001127487.2); short protein forms A1536V.
Identifiers: ClinVar variation 935711 (VCV000935711.10), dbSNP rs1808665032, ClinGen allele CA369202128.